The following is an entry in ClinVar:

ClinVar aggregate classification (germline): Uncertain significance (1 of 4 stars; one submission).

Allele frequency attached by ClinVar (database versions not stated): gnomAD exomes below 0.00001.

Submission:

GeneDx
Classification: Uncertain significance. Last evaluated: 2026-09-24. Review status: criteria provided, single submitter. Criteria: GeneDx Variant Classification Process June 2021. Collection method: clinical testing. Allele origin: germline.
Comment: Not observed at significant frequency in large population cohorts (gnomAD); In silico analysis supports that this missense variant has a deleterious effect on protein structure/function; Has not been previously published as pathogenic or benign to our knowledge

NM_001085458.2(CTNND1):c.2528G>A (p.Gly843Glu)

Genes: CTNND1 (catenin delta 1; plus strand), TMX2-CTNND1 (TMX2-CTNND1 readthrough (NMD candidate); plus strand). Cytogenetic location: 11q12.1.
Variant type: single nucleotide variant.
Coding change: c.2528G>A on transcript NM_001085458.2 (MANE Select); coding-DNA position 2528, G replaced by A.
Protein change: p.Gly843Glu; replaces glycine 843 with glutamic acid.
Molecular consequence: missense variant. On other transcripts: non-coding transcript variant (1).
Genome position (GRCh38, 1-based): chr11:57,810,201, G>A. VCF-style: chr11-57810201-G-A. GRCh37 (hg19) VCF-style: chr11-57577673-G-A.
Other names: c.2510G>A, p.Gly837Glu (NM_001085459.2, NM_001085460.2, NM_001085461.2 and 2 more transcripts); c.2225G>A, p.Gly742Glu (NM_001085463.2, NM_001085466.2); c.2207G>A, p.Gly736Glu (NM_001085464.2, NM_001085465.2, NM_001085467.2 and 3 more transcripts); c.2366G>A, p.Gly789Glu (NM_001206883.2, NM_001206884.2); c.2528G>A, p.Gly843Glu (NM_001206885.2); c.2348G>A, p.Gly783Glu (NM_001206886.2, NM_001206887.2, NM_001206888.2 and 2 more transcripts); short protein forms G736E, G742E, G783E, G789E, G837E, G843E.
Identifiers: ClinVar variation 2446625 (VCV002446625.2), dbSNP rs2497730400, ClinGen allele CA380815853.